The following is an entry in ClinVar:

NM_014208.3(DSPP):c.3006del (p.Asn1002fs)

Genes: DMP1-AS1 (DMP1 and DSPP antisense RNA 1; minus strand), DSPP (dentin sialophosphoprotein; plus strand). Cytogenetic location: 4q22.1.
Variant type: Deletion.
Coding change: c.3006del on transcript NM_014208.3 (MANE Select); coding-DNA position 3006, one base deleted (C; older notation c.3006delC).
Protein change: p.Asn1002fs; shifts the reading frame from asparagine 1002.
Molecular consequence: frameshift variant.
Genome position (GRCh38, 1-based): chr4:87,615,668, C deleted. VCF-style (leftmost placement, unchanged base first): chr4-87615667-AC-A. GRCh37 (hg19) VCF-style: chr4-88536819-AC-A.
Other names: short protein forms N1002fs.
Identifiers: ClinVar variation 4082212 (VCV004082212.1).

ClinVar aggregate classification (germline): Pathogenic (1 of 4 stars; one submission).

Conditions:
Dentinogenesis imperfecta type 2 (DGI1). Also called: CAPDEPONT TEETH; OPALESCENT DENTIN; OPALESCENT TEETH WITHOUT OSTEOGENESIS IMPERFECTA; Dentinogenesis imperfecta without osteogenesis imperfecta; Hereditary Opalescent Dentin; Dentinogenesis imperfecta - Shield's type II. Identifiers: Orphanet 166260, MedGen C2973527, MONDO:0007441, OMIM 125490. Disease mechanism: loss of function.

Submission:

Reference Center For Rare Oral And Dental Diseases, CRMR O-Rares, Hôpitaux Universitaires De Strasbourg
Classification: Pathogenic for Dentinogenesis imperfecta type 2. Last evaluated: 2025-09-03. Review status: criteria provided, single submitter. Criteria: ACMG Guidelines, 2015. Collection method: clinical testing. Allele origin: unknown. Inheritance: Autosomal dominant inheritance. Affected: yes.
Comment: PVS1, PM2, PP4 (5)